The following is an entry in ClinVar:

ClinVar aggregate classification (germline): Likely benign (1 of 4 stars; one submission).

Allele frequency attached by ClinVar (database versions not stated): TOPMed below 0.00001; ExAC 0.00001; gnomAD 0.00001; 1000 Genomes Project 30x 0.00016; 1000 Genomes Project 0.00020.
gnomAD v4.1: 2 of 1,614,124 alleles (0.00012%); highest among the groups gnomAD compares: East Asian, 0.0045%; no homozygotes.

Submission:

CeGaT Center for Human Genetics Tuebingen
Classification: Likely benign. Last evaluated: 2024-05-01. Review status: criteria provided, single submitter. Criteria: CeGaT Center For Human Genetics Tuebingen Variant Classification Criteria Version 2. Collection method: clinical testing. Allele origin: germline. Affected: yes. Observed: 1 variant allele.
Comment: ZMYND11: BP4, BP7

NM_001370100.5(ZMYND11):c.183A>G (p.Lys61=)

Gene: ZMYND11 (zinc finger MYND-type containing 11; plus strand). Cytogenetic location: 10p15.3.
Variant type: single nucleotide variant.
Coding change: c.183A>G on transcript NM_001370100.5 (MANE Select); coding-DNA position 183, A replaced by G.
Protein change: p.Lys61=; no amino-acid change (lysine 61 retained).
Molecular consequence: synonymous variant. On other transcripts: non-coding transcript variant (1), intron variant (1).
Genome position (GRCh38, 1-based): chr10:209,955, A>G. VCF-style: chr10-209955-A-G. GRCh37 (hg19) VCF-style: chr10-255895-A-G.
Other names: c.183A>G, p.Lys61= (NM_001161482.1, NM_001202464.3, NM_001202465.3 and 25 more transcripts); c.132A>G, p.Lys44= (NM_001330057.3, NM_001370112.2, NM_001370123.2); c.117A>G, p.Lys39= (NM_001370116.2, NM_001370120.2); c.63A>G, p.Lys21= (NM_001370118.2, NM_001370121.2); c.-33-26883A>G (NM_001370124.3).
Identifiers: ClinVar variation 3239581 (VCV003239581.19), dbSNP rs567951588.